The following is an entry in ClinVar:

ClinVar aggregate classification (germline): Pathogenic (1 of 4 stars; one submission).

Conditions:
Familial adenomatous polyposis 4 (FAP4). Also called: MSH3-related attenuated familial adenomatous polyposis. Identifiers: Orphanet 480536, MedGen C4310719, MONDO:0044300, OMIM 617100.

Submission:

Myriad Genetics, Inc.
Classification: Pathogenic for Familial adenomatous polyposis 4. Last evaluated: 2023-08-31. Review status: criteria provided, single submitter. Criteria: Myriad Autosomal Dominant, Autosomal Recessive and X-Linked Classification Criteria (2023). Collection method: clinical testing. Allele origin: unknown.
Comment: This variant is considered pathogenic. This variant creates a frameshift predicted to result in premature protein truncation.

NM_002439.5(MSH3):c.2554_2561del (p.Gln852fs)

Gene: MSH3 (mutS homolog 3; plus strand). Cytogenetic location: 5q14.1.
Variant type: Deletion.
Coding change: c.2554_2561del on transcript NM_002439.5 (MANE Select); coding-DNA positions 2554 to 2561, 8 bases deleted (CAAGAAGA; older notation c.2554_2561delCAAGAAGA).
Protein change: p.Gln852fs; shifts the reading frame from glutamine 852.
Molecular consequence: frameshift variant.
Genome position (GRCh38, 1-based): chr5:80,792,743-80,792,750, CAAGAAGA deleted; deleting any 8 consecutive bases within chr5:80,792,742-80,792,750 gives the same sequence; the c. name uses the placement nearest the transcript's 3' end. VCF-style (leftmost placement, unchanged base first): chr5-80792741-TACAAGAAG-T. GRCh37 (hg19) VCF-style: chr5-80088560-TACAAGAAG-T.
Other names: short protein forms Q852fs.
Identifiers: ClinVar variation 2673529 (VCV002673529.1), dbSNP rs2546786707, ClinGen allele CA2695198682.